The following is an entry in ClinVar:

NM_020975.6(RET):c.2734C>A (p.Arg912=)

Gene: RET (ret proto-oncogene; plus strand). Cytogenetic location: 10q11.21.
Variant type: single nucleotide variant.
Coding change: c.2734C>A on transcript NM_020975.6 (MANE Select); coding-DNA position 2734, C replaced by A.
Protein change: p.Arg912=; no amino-acid change (arginine 912 retained).
Molecular consequence: synonymous variant.
Genome position (GRCh38, 1-based): chr10:43,121,949, C>A. VCF-style: chr10-43121949-C-A. GRCh37 (hg19) VCF-style: chr10-43617397-C-A.
Other names: c.2734C>A, p.Arg912= (NM_000323.2, NM_001406743.1, NM_001406744.1 and 4 more transcripts); c.1972C>A, p.Arg658= (NM_001355216.2); c.2605C>A, p.Arg869= (NM_001406761.1, NM_001406762.1, NM_001406764.1); c.2599C>A, p.Arg867= (NM_001406763.1, NM_001406765.1); c.2446C>A, p.Arg816= (NM_001406766.1, NM_001406767.1, NM_001406770.1); c.2470C>A, p.Arg824= (NM_001406768.1); c.2338C>A, p.Arg780= (NM_001406769.1, NM_001406772.1); c.2296C>A, p.Arg766= (NM_001406771.1, NM_001406773.1); and 10 more.
Identifiers: ClinVar variation 1795319 (VCV001795319.2), dbSNP rs1838227061, ClinGen allele CA469029573.
Genomic context (GRCh38, chr10:43,121,949, plus strand): 5'-CCCTCCTTCCTAGAGAGTTAGAGTAACTTCAATGTCTTTATTCCATCTTCTCTTTAGGGT[C>A]GGATTCCAGTTAAATGGATGGCAATTGAATCCCTTTTTGATCATATCTACACCACGCAAA-3'
Protein context (NP_066124.1, residues 902-922): EDSYVKRSQG[Arg912=]IPVKWMAIES

ClinVar aggregate classification (germline): Uncertain significance (1 of 4 stars; one submission).

Conditions:
Hereditary cancer-predisposing syndrome. Also called: Tumor predisposition; Hereditary Cancer Syndrome; Neoplastic Syndromes, Hereditary; Hereditary neoplastic syndrome. Identifiers: Orphanet 140162, MedGen C0027672, MeSH D009386, MONDO:0015356.

Submission:

Ambry Genetics
Classification: Uncertain significance for Hereditary cancer-predisposing syndrome. Last evaluated: 2020-11-19. Review status: criteria provided, single submitter. Criteria: Ambry Variant Classification Scheme 2023. Collection method: clinical testing. Allele origin: germline.
Comment: The c.2734C>A variant (also known as p.R912R), located in coding exon 16 of the RET gene, results from a C to A substitution at nucleotide position 2734. This nucleotide substitution does not change the at codon 912. This nucleotide position is highly conserved in available vertebrate species. In silico splice site analysis for this alteration is inconclusive. Since supporting evidence is limited at this time, the clinical significance of this alteration remains unclear.